The following is an entry in ClinVar:

ClinVar aggregate classification (germline): Pathogenic. Review status: criteria provided, single submitter (1 of 4 stars). 2 submissions from 2 submitters: Pathogenic (1). 1 of the submissions does not count toward it. Last evaluated 2026-01-22.

Conditions:
Laron-type isolated somatotropin defect. Also called: GROWTH HORMONE RECEPTOR DEFICIENCY; Laron Syndrome; Growth hormone binding protein deficiency or dysfunction; Growth hormone receptor deficiency or dysfunction; Laron dwarfism; Laron type pituitary dwarfism I. Identifiers: Orphanet 633, MedGen C0271568, MONDO:0009877, OMIM 262500.

Allele frequency attached by ClinVar (database versions not stated): gnomAD exomes below 0.00001; ExAC 0.00001.
gnomAD v4.1: 3 of 1,611,892 alleles (0.00019%); highest among the groups gnomAD compares: Non-Finnish European, 0.00025%; no homozygotes.

Submissions (2):

Labcorp Genetics (formerly Invitae), Labcorp
Classification: Pathogenic. Last evaluated: 2026-01-22. Review status: criteria provided, single submitter. Criteria: Invitae Variant Classification Sherloc (09022015). Collection method: clinical testing. Allele origin: germline.
Comment: This sequence change affects an acceptor splice site in intron 6 of the GHR gene. It is expected to disrupt RNA splicing. Variants that disrupt the donor or acceptor splice site typically lead to a loss of protein function (PMID: 16199547), and loss-of-function variants in GHR are known to be pathogenic (PMID: 1999489, 8488849). This variant is present in population databases (rs730880281, gnomAD 0.0009%). Disruption of this splice site has been observed in individuals with clinical features of autosomal recessive GHR-related conditions (PMID: 8488849, 10102073). ClinVar contains an entry for this variant (Variation ID: 8642). Algorithms developed to predict the effect of sequence changes on RNA splicing suggest that this variant may disrupt the consensus splice site. For these reasons, this variant has been classified as Pathogenic.

OMIM
Classification: Pathogenic for LARON SYNDROME. Last evaluated: 1993-05-01. Review status: no assertion criteria provided. Collection method: literature only. Allele origin: germline. Not counted in ClinVar's aggregate classification.

Literature cited by the submitters: PubMed 16199547 (cited by Labcorp Genetics (formerly Invitae), Labcorp); PubMed 1999489 (cited by Labcorp Genetics (formerly Invitae), Labcorp); PubMed 8488849 (cited by Labcorp Genetics (formerly Invitae), Labcorp and OMIM); PubMed 10102073 (cited by Labcorp Genetics (formerly Invitae), Labcorp).

NM_000163.5(GHR):c.619-1G>T

Gene: GHR (growth hormone receptor; plus strand). Cytogenetic location: 5p12.
Variant type: single nucleotide variant.
Coding change: c.619-1G>T on transcript NM_000163.5 (MANE Select); the canonical splice acceptor site of the intron before coding-DNA position 619, G replaced by T.
Molecular consequence: splice acceptor variant.
Genome position (GRCh38, 1-based): chr5:42,711,206, G>T. VCF-style: chr5-42711206-G-T. GRCh37 (hg19) VCF-style: chr5-42711308-G-T.
Other names: IVS6AS, G-T, -1; c.553-1G>T (NM_001242460.2); c.619-1G>T (NM_001242400.2, NM_001242401.4, NM_001242402.2 and 5 more transcripts); c.640-1G>T (NM_001242399.2).
Identifiers: ClinVar variation 8642 (VCV000008642.2), dbSNP rs730880281, ClinGen allele CA212900.